The following is an entry in ClinVar:

ClinVar aggregate classification (germline): Uncertain significance. Review status: criteria provided, multiple submitters, no conflicts (2 of 4 stars). 3 submissions from 3 submitters: Uncertain significance (3). Last evaluated 2023-01-30.

Conditions:
Autosomal recessive ataxia, Beauce type. Also called: SYNE1-Related Autosomal Recessive Cerebellar Ataxia; SYNE1 Deficiency; Spinocerebellar ataxia, autosomal recessive 8; ATAXIA, RECESSIVE, OF BEAUCE. Identifiers: Orphanet 88644, MedGen C1853116, MONDO:0012549, OMIM 610743.
Emery-Dreifuss muscular dystrophy 4, autosomal dominant (EDMD4). Also called: EMERY-DREIFUSS MUSCULAR DYSTROPHY 4 WITH VARIABLE FEATURES. Identifiers: Orphanet 261, MedGen C2751807, MONDO:0013071, OMIM 612998.

Allele frequency attached by ClinVar (database versions not stated): TOPMed below 0.00001; gnomAD 0.00001; gnomAD exomes 0.00001; ExAC 0.00002.
gnomAD v4.1: 18 of 1,613,750 alleles (0.0011%); highest among the groups gnomAD compares: Middle Eastern, 0.066%; no homozygotes.

Submissions (3):

Labcorp Genetics (formerly Invitae), Labcorp
Classification: Uncertain significance for Emery-Dreifuss muscular dystrophy 4, autosomal dominant; Autosomal recessive ataxia, Beauce type. Last evaluated: 2023-01-30. Review status: criteria provided, single submitter. Criteria: Invitae Variant Classification Sherloc (09022015). Collection method: clinical testing. Allele origin: germline.
Comment: This sequence change replaces isoleucine, which is neutral and non-polar, with leucine, which is neutral and non-polar, at codon 6943 of the SYNE1 protein (p.Ile6943Leu). This variant is present in population databases (rs746037945, gnomAD 0.003%). In summary, the available evidence is currently insufficient to determine the role of this variant in disease. Therefore, it has been classified as a Variant of Uncertain Significance. Algorithms developed to predict the effect of missense changes on protein structure and function are either unavailable or do not agree on the potential impact of this missense change (SIFT: "Deleterious"; PolyPhen-2: "Benign"; Align-GVGD: "Class C0"). ClinVar contains an entry for this variant (Variation ID: 1711643). This variant has not been reported in the literature in individuals affected with SYNE1-related conditions.

CeGaT Center for Human Genetics Tuebingen
Classification: Uncertain significance. Last evaluated: 2022-08-01. Review status: criteria provided, single submitter. Criteria: CeGaT Center For Human Genetics Tuebingen Variant Classification Criteria Version 2. Collection method: clinical testing. Allele origin: germline. Affected: yes. Observed: 1 variant allele.
Comment: SYNE1: PM2

Revvity Omics, Revvity
Classification: Uncertain significance. Last evaluated: 2021-11-04. Review status: criteria provided, single submitter. Criteria: ACMG Guidelines, 2015. Collection method: clinical testing. Allele origin: germline.

NM_182961.4(SYNE1):c.21040A>C (p.Ile7014Leu)

Gene: SYNE1 (spectrin repeat containing nuclear envelope protein 1; minus strand). Cytogenetic location: 6q25.2.
Variant type: single nucleotide variant.
Coding change: c.21040A>C on transcript NM_182961.4 (MANE Select); coding-DNA position 21040, A replaced by C.
Protein change: p.Ile7014Leu; replaces isoleucine 7014 with leucine.
Molecular consequence: missense variant.
Genome position (GRCh38, 1-based): chr6:152,230,702, T>G on the plus strand (A>C on the coding strand, the complement: SYNE1 is on the minus strand). VCF-style: chr6-152230702-T-G. GRCh37 (hg19) VCF-style: chr6-152551837-T-G.
Other names: c.20827A>C, p.Ile6943Leu (NM_033071.5); short protein forms I6943L, I7014L.
Identifiers: ClinVar variation 1711643 (VCV001711643.38), dbSNP rs746037945, ClinGen allele CA4054260.
Genomic context (GRCh38, chr6:152,230,702, plus strand): 5'-GACATTGTACATTATTTTCATATTCTGACCAAGATTCCAATAAGCCTTCCAACAGCTGGA[T>G]CTGAACAAACACAATAAAATGAAATTTGCAACTTTATTTTAATAAAATCAAATCATTAGC-3'
Protein context (NP_892006.3, residues 7004-7024): QILQGLVTEK[Ile7014Leu]QLLEGLLESW